The following is an entry in ClinVar:

ClinVar aggregate classification (germline): Pathogenic/Likely pathogenic. Review status: criteria provided, multiple submitters, no conflicts (2 of 4 stars). 21 submissions from 18 submitters: Pathogenic (12); Likely pathogenic (2). 7 of the submissions do not count toward it. Last evaluated 2026-03-10.

Conditions:
Scapuloperoneal spinal muscular atrophy (SPSMA). Also called: Scapuloperoneal Spinal Muscular Atrophy, TRPV4-Related; AMYOTROPHY, NEUROGENIC SCAPULOPERONEAL, NEW ENGLAND TYPE; Scapuloperoneal Form of Spinal Muscular Atrophy; Scapuloperoneal spinal muscular atrophy, autosomal dominant. Identifiers: Orphanet 431255, MedGen C0751335, MONDO:0008408, OMIM 181405.
Parastremmatic dwarfism. Identifiers: Orphanet 2646, MedGen C1868616, MONDO:0008196, OMIM 168400.
Metatropic dysplasia (MTD). Also called: METATROPIC DWARFISM; Metatropic Dysplasia, TRPV4-Related; Metatropic dysplasia, nonlethal dominant. Identifiers: Orphanet 2635, MedGen C0265281, MONDO:0007986, OMIM 156530.
Familial digital arthropathy-brachydactyly. Identifiers: Orphanet 85169, MedGen C1847406, MONDO:0011732, OMIM 606835.
Charcot-Marie-Tooth disease axonal type 2C (HMSN2C). Also called: Charcot-Marie-Tooth Disease Type 2, TRPV4-Related (CMT2C); CHARCOT-MARIE-TOOTH DISEASE, AXONAL, AUTOSOMAL DOMINANT, TYPE 2C; Charcot-Marie-Tooth Neuropathy Type 2C. Identifiers: Orphanet 99937, MedGen C1853710, MONDO:0011633, OMIM 606071.
Sodium serum level quantitative trait locus 1 (SSQTL1). Identifiers: MedGen C3150755, OMIM 613508.
Neuronopathy, distal hereditary motor, autosomal dominant 8. Also called: NEURONOPATHY, DISTAL HEREDITARY MOTOR, TYPE VIII; NEUROPATHY, DISTAL HEREDITARY MOTOR, TYPE VIII; SPINAL MUSCULAR ATROPHY, CONGENITAL BENIGN, WITH CONTRACTURES; Autosomal dominant congenital benign spinal muscular atrophy. Identifiers: Orphanet 1216, MedGen C1838492, MONDO:0010839, OMIM 600175.
Spondyloepimetaphyseal dysplasia, Maroteaux type (SEDM). Also called: PSEUDO-MORQUIO SYNDROME, TYPE 2; Spondyloepimetaphyseal Dysplasia, TRPV4-Related (Maroteaux Type); SED, MAROTEAUX TYPE. Identifiers: Orphanet 263482, MedGen C3159322, MONDO:0008473, OMIM 184095.
Spondylometaphyseal dysplasia, Kozlowski type (SMDK). Also called: Dysmorphism arthrogryposis skeletal maturation advanced; Jequier-Kozlowski syndrome; Skeletal dysplasia Jequier-Kozlowski type; SMD Kozlowski type; Spondylometaphyseal Dysplasia, TRPV4-Related (Kozlowski Type). Identifiers: Orphanet 93314, MedGen C0265280, MONDO:0008477, OMIM 184252.
Avascular necrosis of femoral head, primary, 2 (ANFH2). Identifiers: MedGen C4479260, MONDO:0054551, OMIM 617383.
Brachyrachia (short spine dysplasia) (BCYM3). Also called: Brachyolmia, TRPV4-Related; Brachyolmia Type 3; BRACHYRACHIA; Autosomal dominant brachyolmia. Identifiers: Orphanet 93304, MedGen C0432227, MONDO:0007232, OMIM 113500.
Autosomal Dominant TRPV4-Related Disorders. Identifiers: MedGen CN381235.
TRPV4-related disorder. Also called: TRPV4-related condition; TRPV4-related disorders.
TRPV4-Associated Disorders.
Neuronopathy, distal hereditary motor, autosomal dominant. Also called: Autosomal dominant distal hereditary motor neuropathy. Identifiers: Orphanet 140465, MedGen C5548212, MONDO:0015362.
Neuromuscular disease. Also called: Neuromuscular disorder; Neuromyopathy. Identifiers: Orphanet 68381, MedGen C0027868, MeSH D009468, MONDO:0019056.
Inborn genetic diseases. Identifiers: MedGen C0950123, MeSH D030342.

Allele frequency attached by ClinVar (database versions not stated): gnomAD 0.00001; gnomAD exomes below 0.00001.
gnomAD v4.1: 2 of 1,614,018 alleles (0.00012%); highest among the groups gnomAD compares: African/African-American, 0.0013%; no homozygotes.

Submissions 1 to 5 of 21:

PreventionGenetics, part of Exact Sciences
Classification: Pathogenic for TRPV4-related condition. Last evaluated: 2026-03-10. Review status: criteria provided, single submitter. Criteria: ACMG Guidelines, 2015. Collection method: clinical testing. Allele origin: germline.
Comment: The TRPV4 c.943C>T variant is predicted to result in the amino acid substitution p.Arg315Trp. This variant has been reported in multiple individuals with TRPV4-related autosomal dominant conditions, including scapuloperoneal spinal muscular atrophy, and functional studies support its pathogenicity (Auer-Grumbach et al. 2010. PubMed ID: 20037588; Fecto et al. 2011. PubMed ID: 21454511; Inada et al. 2012. PubMed ID: 22702953). The c.943C>T variant has been reported to occur de novo and also to segregate with affected status in families (Faye et al. 2019. PubMed ID: 31191204; Chen et al. 2010. PubMed ID: 21115951; ClinVar Variation ID: 4999). This variant has not been reported in a large population database (gnomAD), indicating this variant is rare. This variant is interpreted as pathogenic.

Rady Children's Institute for Genomic Medicine, Rady Children's Hospital San Diego
Classification: Pathogenic for TRPV4-related disorders. Last evaluated: 2025-12-18. Review status: criteria provided, single submitter. Criteria: ACMG Guidelines, 2015. Collection method: clinical testing. Allele origin: germline. Affected: yes.
Comment: The TRPV4 gene is constrained against missense variation (Z-score = 3.57), and missense variants are a common mechanism of disease (HGMD, ClinVar database; PMID: 24830047). The c.943C>T (p.Arg315Trp) variant affects a moderately conserved amino acid and is predicted by multiple in silico tools to have a deleterious effect on protein function. This variant has been previously reported as a heterozygous change in individuals and families with hereditary motor and sensory neuropathy type 2C, scapuloperoneal spinal muscular atrophy, Charcot-Marie-Tooth Type 2C with vocal cord paresis, and congenital distal SMA (PMID: 20037588, 21115951, 20460441, 22065612). Functional studies show that this variant alters the localization of the TRPV4 protein to the cell surface and increases the basal calcium levels, leading to increased cell death (PMID: 20037588, 22702953, 21454511). The c.943C>T (p.Arg315Trp) variant is present in the latest version of the gnomAD population database at an allele frequency of 0.0001% (2/1614018) and thus is presumed to be rare. Based on the available evidence, c.943C>T (p.Arg315Trp) is classified as Pathogenic.

Labcorp Genetics (formerly Invitae), Labcorp
Classification: Pathogenic for Charcot-Marie-Tooth disease axonal type 2C. Last evaluated: 2025-12-17. Review status: criteria provided, single submitter. Criteria: Invitae Variant Classification Sherloc (09022015). Collection method: clinical testing. Allele origin: germline.
Comment: This sequence change replaces arginine, which is basic and polar, with tryptophan, which is neutral and slightly polar, at codon 315 of the TRPV4 protein (p.Arg315Trp). This variant is not present in population databases (gnomAD no frequency). This missense change has been observed in individual(s) with hereditary motor and sensory neuropathy type 2C (HMSN2C), scapuloperoneal spinal muscular atrophy (SPSMA), Charcot-Marie-Tooth Type 2C (CMT2C) with vocal cord paresis, and congenital distal SMA (PMID: 20037588, 20460441, 21115951, 22065612). It has also been observed to segregate with disease in related individuals. ClinVar contains an entry for this variant (Variation ID: 4999). Invitae Evidence Modeling of protein sequence and biophysical properties (such as structural, functional, and spatial information, amino acid conservation, physicochemical variation, residue mobility, and thermodynamic stability) indicates that this missense variant is expected to disrupt TRPV4 protein function with a positive predictive value of 95%. Experimental studies have shown that this missense change affects TRPV4 function (PMID: 20037588, 21454511, 22702953). For these reasons, this variant has been classified as Pathogenic.

3billion
Classification: Pathogenic for TRPV4-related disorder. Last evaluated: 2025-12-16. Review status: criteria provided, single submitter. Criteria: ACMG Guidelines, 2015. Collection method: clinical testing. Allele origin: germline. Affected: yes.
Comment: The variant is observed at an extremely low frequency in the gnomAD v4.1.0 dataset (total allele frequency: <0.001%). Predicted Consequence/Location: Missense variant. Missense changes are a common disease-causing mechanism. Functional studies provide strong evidence of the variant having a damaging effect on the gene or gene product (PMID: 20037588, 21454511, 25256292). In silico tool predictions suggest damaging effect of the variant on gene or gene product [REVEL: 0.65 (>=0.6, sensitivity 0.68 and specificity 0.92); 3Cnet: 0.98 (> 0.75, sensitivity 0.96 and precision 0.92)]. The same nucleotide change resulting in the same amino acid change has been previously reported as pathogenic/likely pathogenic with strong evidence (ClinVar ID: VCV000004999 /PMID: 20037588). The variant has been observed in at least two similarly affected unrelated individuals (PMID: 20460441, 24789864). The variant has been reported to co-segregate with the disease in at least 5 similarly affected relatives/individuals in the same family or similarly affected unrelated families (PMID: 20460441, 24789864). Different missense changes at the same codon (p.Arg315Gln, p.Arg315Gly) have been reported as pathogenic/likely pathogenic with strong evidence (ClinVar ID: VCV000422303, VCV000858193 /PMID: 31589614). Therefore, this variant is classified as Pathogenic according to the recommendation of ACMG/AMP guideline.

Variantyx, Inc.
Classification: Pathogenic for Autosomal dominant TRPV4-related disorders. Last evaluated: 2025-09-04. Review status: criteria provided, single submitter. Criteria: Variantyx Assertion Criteria 2022. Collection method: clinical testing. Allele origin: germline. Inheritance: Autosomal dominant inheritance. Affected: yes.
Comment: This is a nonsynonymous variant in the TRPV4 gene (OMIM: 605427). Pathogenic variants in this gene have been associated with autosomal dominant TRPV4-related disorders. This variant has been reported in several affected individuals (PMID: 20037588, 21115951) (PS4) and it has been observed to segregate with disease in at least 15 individuals from 2 families (PMID: 20037588, 21115951) (PP1). Functional studies have shown that this variant alters TRPV4 protein function (PMID: 20037588, 21454511) (PS3). and multiple computational algorithms predict a deleterious effect for this variant (REVEL score: 0.651) (PP3). Moreover, this variant lies within a known hotspot for pathogenic variants or a well-established critical functional domain of the TRPV4 protein (PM1). It has a 0.0017% maximum allele frequency in non-founder control populations (PM2). Based on the current evidence, this variant is classified as pathogenic for autosomal dominant TRPV4-related disorders.

NM_021625.5(TRPV4):c.943C>T (p.Arg315Trp)

Gene: TRPV4 (transient receptor potential cation channel subfamily V member 4; minus strand). Cytogenetic location: 12q24.11.
Variant type: single nucleotide variant.
Coding change: c.943C>T on transcript NM_021625.5 (MANE Select); coding-DNA position 943, C replaced by T.
Protein change: p.Arg315Trp; replaces arginine 315 with tryptophan.
Molecular consequence: missense variant.
Genome position (GRCh38, 1-based): chr12:109,798,823, G>A on the plus strand (C>T on the coding strand, the complement: TRPV4 is on the minus strand). VCF-style: chr12-109798823-G-A. GRCh37 (hg19) VCF-style: chr12-110236628-G-A.
Other names: c.802C>T, p.Arg268Trp (NM_001177433.2, NM_001177428.2); c.943C>T, p.Arg315Trp (NM_147204.3); c.841C>T, p.Arg281Trp (NM_001177431.2); short protein forms R315W, R281W, R268W.
Identifiers: ClinVar variation 4999 (VCV000004999.35), dbSNP rs267607143, ClinGen allele CA117178.